The following is an entry in ClinVar:

NM_001082.5(CYP4F2):c.648-7C>A

Gene: CYP4F2 (cytochrome P450 family 4 subfamily F member 2; minus strand). Cytogenetic location: 19p13.12.
Variant type: single nucleotide variant.
Coding change: c.648-7C>A on transcript NM_001082.5 (MANE Select); 7 bases into the intron before coding-DNA position 648, C replaced by A.
Molecular consequence: intron variant.
Genome position (GRCh38, 1-based): chr19:15,889,700, G>T on the plus strand (C>A on the coding strand, the complement: CYP4F2 is on the minus strand). VCF-style: chr19-15889700-G-T. GRCh37 (hg19) VCF-style: chr19-16000510-G-T.
Other names: NC_000019.9:g.16000510G>T.
Identifiers: ClinVar variation 634566 (VCV000634566.20), dbSNP rs3093221, ClinGen allele CA9273930.

ClinVar aggregate classification (germline): Conflicting classifications of pathogenicity. Review status: criteria provided, conflicting classifications (1 of 4 stars). 4 submissions from 4 submitters: Uncertain significance (1); Benign (2); Likely benign (1). Last evaluated 2025-07-16.

Conditions:
CYP4F2-related disorder. Also called: CYP4F2-related condition.

Allele frequency attached by ClinVar (database versions not stated): 1000 Genomes Project 0.00439; 1000 Genomes Project 30x 0.00453; gnomAD exomes 0.00461 and 0.00653; gnomAD 0.00470 and 0.00504; TOPMed 0.00470; ExAC 0.00488; ESP Exome Variant Server 0.00515.
gnomAD v4.1: 10,179 of 1,612,680 alleles (0.63%); highest among the groups gnomAD compares: Non-Finnish European, 0.77%; 45 homozygotes.

Submissions (5):

PreventionGenetics, part of Exact Sciences
Classification: Benign for CYP4F2-related condition. Last evaluated: 2025-07-16. Review status: criteria provided, single submitter. Criteria: ACMG Guidelines, 2015. Collection method: clinical testing. Allele origin: germline.
Comment: This variant is classified as benign based on ACMG/AMP sequence variant interpretation guidelines (Richards et al. 2015 PMID: 25741868, with internal and published modifications).

CeGaT Center for Human Genetics Tuebingen
Classification: Likely benign. Last evaluated: 2025-04-01. Review status: criteria provided, single submitter. Criteria: CeGaT Center For Human Genetics Tuebingen Variant Classification Criteria Version 2. Collection method: clinical testing. Allele origin: germline. Affected: yes. Observed: 1 variant allele.
Comment: CYP4F2: BP4, BS2

Genomic Research Center, Shahid Beheshti University of Medical Sciences
Classification: Uncertain significance. Last evaluated: 2019-01-01. Review status: criteria provided, single submitter. Criteria: ACMG Guidelines, 2015. Collection method: clinical testing. Allele origin: inherited. Affected: yes. Observed: 1 variant allele.

Labcorp Genetics (formerly Invitae), Labcorp
Classification: Benign. Last evaluated: 2018-08-17. Review status: criteria provided, single submitter. Criteria: Invitae Variant Classification Sherloc (09022015). Collection method: clinical testing. Allele origin: germline.

Dr. Peter K. Rogan Lab, Western University
No classification provided (evidence only). Condition: Lung cancer. Review status: no classification provided. Collection method: in vitro. Allele origin: not applicable. Functional consequence: retained intron. Not counted in ClinVar's aggregate classification.